The following is an entry in ClinVar:

NM_001044.5(SLC6A3):c.149C>T (p.Pro50Leu)

Gene: SLC6A3 (solute carrier family 6 member 3). Cytogenetic location: 5p15.33.
Variant type: single nucleotide variant.
Coding change: c.149C>T on transcript NM_001044.5 (MANE Select); coding-DNA position 149, C replaced by T.
Protein change: p.Pro50Leu; replaces proline 50 with leucine.
Molecular consequence: missense variant.
Genome position (GRCh38, 1-based): chr5:1,443,049, G>A on the plus strand (C>T on the coding strand, the complement: SLC6A3 is on the minus strand). VCF-style: chr5-1443049-G-A. GRCh37 (hg19) VCF-style: chr5-1443164-G-A.
Other names: short protein forms P50L.
Identifiers: ClinVar variation 1507933 (VCV001507933.4), dbSNP rs146798197, ClinGen allele CA3186474.

ClinVar aggregate classification (germline): Uncertain significance. Review status: criteria provided, multiple submitters, no conflicts (2 of 4 stars). 2 submissions from 2 submitters: Uncertain significance (2). Last evaluated 2022-04-17.

Conditions:
Tobacco addiction, susceptibility to. Also called: CIGARETTE HABITUATION, SUSCEPTIBILITY TO. Identifiers: MedGen C1861063, MONDO:0100460, OMIM 188890.
Classic dopamine transporter deficiency syndrome (PKDYS1). Also called: Parkinsonism-dystonia, infantile, 1; DOPAMINE TRANSPORTER DEFICIENCY SYNDROME. Identifiers: Orphanet 238455, MedGen C5700336, MONDO:0054835, OMIM 613135.
Parkinsonism-dystonia, infantile. Identifiers: Orphanet 238455, MedGen C2751067, MONDO:0013150.

Allele frequency attached by ClinVar (database versions not stated): TOPMed 0.00005; gnomAD 0.00006; ExAC 0.00007; gnomAD exomes 0.00007; ESP Exome Variant Server 0.00008.

Submissions (2):

Labcorp Genetics (formerly Invitae), Labcorp
Classification: Uncertain significance for Parkinsonism-dystonia, infantile. Last evaluated: 2022-04-17. Review status: criteria provided, single submitter. Criteria: Invitae Variant Classification Sherloc (09022015). Collection method: clinical testing. Allele origin: germline.
Comment: This sequence change replaces proline, which is neutral and non-polar, with leucine, which is neutral and non-polar, at codon 50 of the SLC6A3 protein (p.Pro50Leu). This variant is present in population databases (rs146798197, gnomAD 0.05%). This variant has not been reported in the literature in individuals affected with SLC6A3-related conditions. Algorithms developed to predict the effect of missense changes on protein structure and function are either unavailable or do not agree on the potential impact of this missense change (SIFT: "Deleterious"; PolyPhen-2: "Benign"; Align-GVGD: "Class C0"). In summary, the available evidence is currently insufficient to determine the role of this variant in disease. Therefore, it has been classified as a Variant of Uncertain Significance.

Fulgent Genetics
Classification: Uncertain significance for Tobacco addiction, susceptibility to; Classic dopamine transporter deficiency syndrome. Last evaluated: 2021-08-12. Review status: criteria provided, single submitter. Criteria: ACMG Guidelines, 2015. Collection method: clinical testing. Allele origin: unknown.